The following is an entry in ClinVar:

ClinVar aggregate classification (germline): Uncertain significance. Review status: criteria provided, multiple submitters, no conflicts (2 of 4 stars). 6 submissions from 6 submitters: Uncertain significance (6). Last evaluated 2026-01-13.

Conditions:
POLG-related disorder. Also called: POLG-related condition; POLG-Related Disorders; POLG-Related Spectrum Disorders. Identifiers: MedGen C4763519.
Progressive sclerosing poliodystrophy (MTDPS4A). Also called: Mitochondrial DNA depletion syndrome 4A (Alpers type); ALPERS PROGRESSIVE INFANTILE POLIODYSTROPHY; Alpers-Huttenlocher Syndrome; Alpers-Huttenlocher Syndrome (AHS); ALPERS DIFFUSE DEGENERATION OF CEREBRAL GRAY MATTER WITH HEPATIC CIRRHOSIS; NEURONAL DEGENERATION OF CHILDHOOD WITH LIVER DISEASE, PROGRESSIVE. Identifiers: Orphanet 726, MedGen C0205710, MONDO:0008758, OMIM 203700.

Allele frequency attached by ClinVar (database versions not stated): gnomAD exomes below 0.00001 and 0.00001; TOPMed 0.00001.
gnomAD v4.1: 12 of 1,611,256 alleles (0.00074%); highest among the groups gnomAD compares: Non-Finnish European, 0.001%; no homozygotes.

Submissions (6):

Labcorp Genetics (formerly Invitae), Labcorp
Classification: Uncertain significance for Progressive sclerosing poliodystrophy. Last evaluated: 2026-01-13. Review status: criteria provided, single submitter. Criteria: Invitae Variant Classification Sherloc (09022015). Collection method: clinical testing. Allele origin: germline.
Comment: This sequence change replaces aspartic acid, which is acidic and polar, with alanine, which is neutral and non-polar, at codon 629 of the POLG protein (p.Asp629Ala). This variant is present in population databases (no rsID available, gnomAD 0.0009%). This variant has not been reported in the literature in individuals affected with POLG-related conditions. ClinVar contains an entry for this variant (Variation ID: 424559). Invitae Evidence Modeling of protein sequence and biophysical properties (such as structural, functional, and spatial information, amino acid conservation, physicochemical variation, residue mobility, and thermodynamic stability) indicates that this missense variant is expected to disrupt POLG protein function with a positive predictive value of 95%. In summary, the available evidence is currently insufficient to determine the role of this variant in disease. Therefore, it has been classified as a Variant of Uncertain Significance.

PreventionGenetics, part of Exact Sciences
Classification: Uncertain significance for POLG-related condition. Last evaluated: 2025-10-16. Review status: criteria provided, single submitter. Criteria: ACMG Guidelines, 2015. Collection method: clinical testing. Allele origin: germline.
Comment: The POLG c.1886A>C variant is predicted to result in the amino acid substitution p.Asp629Ala. To our knowledge, this variant has not been reported in the literature. This variant is reported in 0.00088% of alleles in individuals of European (Non-Finnish) descent in gnomAD. At this time, the clinical significance of this variant is uncertain due to the absence of conclusive functional and genetic evidence.

Mayo Clinic Laboratories, Mayo Clinic
Classification: Uncertain significance. Last evaluated: 2024-02-12. Review status: criteria provided, single submitter. Criteria: ACMG Guidelines, 2015. Collection method: clinical testing. Allele origin: germline. Observed: 2 variant alleles.

Blueprint Genetics
Classification: Uncertain significance. Last evaluated: 2022-08-08. Review status: criteria provided, single submitter. Criteria: ACMG Guidelines, 2015. Collection method: clinical testing. Allele origin: germline.

GeneDx
Classification: Uncertain significance. Last evaluated: 2019-10-29. Review status: criteria provided, single submitter. Criteria: GeneDx Variant Classification Process June 2021. Collection method: clinical testing. Allele origin: germline. Affected: yes.
Comment: Not observed at a significant frequency in large population cohorts (Lek et al., 2016); In silico analysis, which includes protein predictors and evolutionary conservation, supports a deleterious effect; Has not been previously published as pathogenic or benign to our knowledge

Illumina Laboratory Services, Illumina
Classification: Uncertain significance for POLG-Related Spectrum Disorders. Last evaluated: 2018-01-13. Review status: criteria provided, single submitter. Criteria: ICSL Variant Classification Criteria 13 December 2019. Collection method: clinical testing. Allele origin: germline.

NM_002693.3(POLG):c.1886A>C (p.Asp629Ala)

Gene: POLG (DNA polymerase gamma, catalytic subunit; minus strand). Cytogenetic location: 15q26.1.
Variant type: single nucleotide variant.
Coding change: c.1886A>C on transcript NM_002693.3 (MANE Select); coding-DNA position 1886, A replaced by C.
Protein change: p.Asp629Ala; replaces aspartic acid 629 with alanine.
Molecular consequence: missense variant.
Genome position (GRCh38, 1-based): chr15:89,325,513, T>G on the plus strand (A>C on the coding strand, the complement: POLG is on the minus strand). VCF-style: chr15-89325513-T-G. GRCh37 (hg19) VCF-style: chr15-89868744-T-G.
Other names: p.Asp629Ala; c.1886A>C, p.Asp629Ala (NM_001126131.2); short protein forms D629A.
Identifiers: ClinVar variation 424559 (VCV000424559.19), dbSNP rs1039182766, ClinGen allele CA16620022.
Genomic context (GRCh38, chr15:89,325,513, plus strand): 5'-TAGGGGCAGACCACCCCAGCTGACTCCAGGGTGGTACCTGTCGGCAGCTTGGCCAGGTTG[T>G]CCCGCCGCCCAGGCACCAAGTAGCCCCAGCCATGACGCTCTGAGTAGTGCAGAGGGAAGC-3'
Protein context (NP_002684.1, residues 619-639): GWGYLVPGRR[Asp629Ala]NLAKLPTGTT